The following is an entry in ClinVar:

ClinVar aggregate classification (germline): Benign/Likely benign. Review status: criteria provided, multiple submitters, no conflicts (2 of 4 stars). 5 submissions from 4 submitters: Benign (2); Likely benign (3). Last evaluated 2024-09-24.

Conditions:
Neural tube defect (NTD). Also called: Neural tube defects. Identifiers: Orphanet 3388, Orphanet 823, MedGen C0027794, MONDO:0018075, HP:0045005.
Sacral defect with anterior meningocele. Identifiers: MedGen C1838568, OMIM 600145.

Allele frequency attached by ClinVar (database versions not stated): gnomAD exomes 0.00051 and 0.00107; ExAC 0.00128; gnomAD 0.00387 and 0.00413; 1000 Genomes Project 0.00419; TOPMed 0.00438; ESP Exome Variant Server 0.00484; 1000 Genomes Project 30x 0.00531.
gnomAD v4.1: 1,356 of 1,614,212 alleles (0.084%); highest among the groups gnomAD compares: African/African-American, 1.5%; 7 homozygotes.

Submissions (5):

Blueprint Genetics
Classification: Likely benign. Last evaluated: 2024-09-24. Review status: criteria provided, single submitter. Criteria: ACMG Guidelines, 2015. Collection method: clinical testing. Allele origin: germline.

Labcorp Genetics (formerly Invitae), Labcorp
Classification: Benign. Last evaluated: 2019-12-31. Review status: criteria provided, single submitter. Criteria: Invitae Variant Classification Sherloc (09022015). Collection method: clinical testing. Allele origin: germline.

Illumina Laboratory Services, Illumina
Classification: Benign for Sacral defect with anterior meningocele. Last evaluated: 2018-01-12. Review status: criteria provided, single submitter. Criteria: ICSL Variant Classification Criteria 13 December 2019. Collection method: clinical testing. Allele origin: germline.
Comment: This variant was observed in the ICSL laboratory as part of a predisposition screen in an ostensibly healthy population. It had not been previously curated by ICSL or reported in the Human Gene Mutation Database (HGMD: prior to June 1st, 2018), and was therefore a candidate for classification through an automated scoring system. Utilizing variant allele frequency, disease prevalence and penetrance estimates, and inheritance mode, an automated score was calculated to assess if this variant is too frequent to cause the disease. Based on the score and internal cut-off values, a variant classified as benign is not then subjected to further curation. The score for this variant resulted in a classification of benign for this disease.

Illumina Laboratory Services, Illumina
Classification: Likely benign for Neural tube defects, susceptibility to. Last evaluated: 2018-01-12. Review status: criteria provided, single submitter. Criteria: ICSL Variant Classification Criteria 13 December 2019. Collection method: clinical testing. Allele origin: germline.
Comment: This variant was observed in the ICSL laboratory as part of a predisposition screen in an ostensibly healthy population. It had not been previously curated by ICSL or reported in the Human Gene Mutation Database (HGMD: prior to June 1st, 2018), and was therefore a candidate for classification through an automated scoring system. Utilizing variant allele frequency, disease prevalence and penetrance estimates, and inheritance mode, an automated score was calculated to assess if this variant is too frequent to cause the disease. Based on the score and internal cut-off values, a variant classified as likely benign is not then subjected to further curation. The score for this variant resulted in a classification of likely benign for this disease.

Breakthrough Genomics
Classification: Likely benign. Review status: criteria provided, single submitter. Criteria: ACMG Guidelines, 2015. Collection method: not provided. Allele origin: germline. Inheritance: Autosomal dominant inheritance. Affected: yes.

NM_138959.3(VANGL1):c.345C>T (p.Val115=)

Gene: VANGL1 (VANGL planar cell polarity protein 1; plus strand). Cytogenetic location: 1p13.1.
Variant type: single nucleotide variant.
Coding change: c.345C>T on transcript NM_138959.3 (MANE Select); coding-DNA position 345, C replaced by T.
Protein change: p.Val115=; no amino-acid change (valine 115 retained).
Molecular consequence: synonymous variant.
Genome position (GRCh38, 1-based): chr1:115,663,801, C>T. VCF-style: chr1-115663801-C-T. GRCh37 (hg19) VCF-style: chr1-116206422-C-T.
Other names: c.339C>T, p.Val113= (NM_001172411.2); c.345C>T, p.Val115= (NM_001172412.2).
Identifiers: ClinVar variation 720994 (VCV000720994.10), dbSNP rs79828493, ClinGen allele CA1023223.